The following is an entry in ClinVar:

NM_002087.4(GRN):c.1298G>A (p.Arg433Gln)

Gene: GRN (granulin precursor; plus strand). Cytogenetic location: 17q21.31.
Variant type: single nucleotide variant.
Coding change: c.1298G>A on transcript NM_002087.4 (MANE Select); coding-DNA position 1298, G replaced by A.
Protein change: p.Arg433Gln; replaces arginine 433 with glutamine.
Molecular consequence: missense variant.
Genome position (GRCh38, 1-based): chr17:44,352,133, G>A. VCF-style: chr17-44352133-G-A. GRCh37 (hg19) VCF-style: chr17-42429501-G-A.
Other names: short protein forms R433Q.
Identifiers: ClinVar variation 193853 (VCV000193853.69), dbSNP rs114248177, ClinGen allele CA200816.

ClinVar aggregate classification (germline): Benign/Likely benign. Review status: criteria provided, multiple submitters, no conflicts (2 of 4 stars). 8 submissions from 8 submitters: Benign (2); Likely benign (5). 1 of the submissions does not count toward it. Last evaluated 2026-01-27.

Conditions:
GRN-related disorder. Also called: GRN-related condition; GRN-related disorders.
Inborn genetic diseases. Identifiers: MedGen C0950123, MeSH D030342.
Neuronal ceroid lipofuscinosis 11. Also called: GRN-Related Neuronal Ceroid-Lipofuscinosis. Identifiers: Orphanet 314629, Orphanet 79262, MedGen C3539123, MONDO:0013866, OMIM 614706.
GRN-related frontotemporal lobar degeneration with Tdp43 inclusions (FTD2). Also called: FRONTOTEMPORAL DEMENTIA WITH TDP43 INCLUSIONS, GRN-RELATED; DEMENTIA, HEREDITARY DYSPHASIC DISINHIBITION; FRONTOTEMPORAL LOBAR DEGENERATION WITH UBIQUITIN-POSITIVE INCLUSIONS; FTLD-TDP, GRN-RELATED; GRN Frontotemporal Dementia. Identifiers: Orphanet 100070, Orphanet 282, MedGen C1843792, MONDO:0011842, OMIM 607485. Disease mechanism: loss of function.

Allele frequency attached by ClinVar (database versions not stated): gnomAD exomes 0.00021 and 0.00061; ExAC 0.00082; 1000 Genomes Project 0.00220; gnomAD 0.00230 and 0.00247; ESP Exome Variant Server 0.00261; 1000 Genomes Project 30x 0.00281; TOPMed 0.00286.
gnomAD v4.1: 677 of 1,613,822 alleles (0.042%); highest among the groups gnomAD compares: African/African-American, 0.78%; 3 homozygotes.

Submissions (8):

Labcorp Genetics (formerly Invitae), Labcorp
Classification: Likely benign for Neuronal ceroid lipofuscinosis 11; GRN-related frontotemporal lobar degeneration with Tdp43 inclusions. Last evaluated: 2026-01-27. Review status: criteria provided, single submitter. Criteria: Invitae Variant Classification Sherloc (09022015). Collection method: clinical testing. Allele origin: germline.

CeGaT Center for Human Genetics Tuebingen
Classification: Likely benign. Last evaluated: 2025-11-01. Review status: criteria provided, single submitter. Criteria: CeGaT Center For Human Genetics Tuebingen Variant Classification Criteria Version 2. Collection method: clinical testing. Allele origin: germline. Affected: yes. Observed: 2 variant alleles.
Comment: GRN: BP4, BS2

Blueprint Genetics
Classification: Likely benign. Last evaluated: 2024-11-01. Review status: criteria provided, single submitter. Criteria: ACMG Guidelines, 2015. Collection method: clinical testing. Allele origin: germline.

Fulgent Genetics
Classification: Likely benign for GRN-related frontotemporal lobar degeneration with Tdp43 inclusions; Neuronal ceroid lipofuscinosis 11. Last evaluated: 2021-09-05. Review status: criteria provided, single submitter. Criteria: ACMG Guidelines, 2015. Collection method: clinical testing. Allele origin: unknown.

Athena Diagnostics
Classification: Benign. Last evaluated: 2021-01-11. Review status: criteria provided, single submitter. Criteria: Athena Diagnostics criteria. Collection method: clinical testing. Allele origin: unknown.

Ambry Genetics
Classification: Likely benign for Inborn genetic diseases. Last evaluated: 2018-05-15. Review status: criteria provided, single submitter. Criteria: Ambry Variant Classification Scheme 2023. Collection method: clinical testing. Allele origin: germline.

Eurofins Ntd Llc (ga)
Classification: Benign. Last evaluated: 2015-03-02. Review status: criteria provided, single submitter. Criteria: EGL Classification Definitions 2015. Collection method: clinical testing. Allele origin: germline. Observed: 1 variant allele, 1 heterozygote.

PreventionGenetics, part of Exact Sciences
Classification: Benign for GRN-related condition. Last evaluated: 2019-05-01. Review status: no assertion criteria provided. Collection method: clinical testing. Allele origin: germline. Not counted in ClinVar's aggregate classification.
Comment: This variant is classified as benign based on ACMG/AMP sequence variant interpretation guidelines (Richards et al. 2015 PMID: 25741868, with internal and published modifications).

Literature cited by the submitters: PubMed 20020531 (cited by Athena Diagnostics and Ambry Genetics); PubMed 22312439 (cited by Athena Diagnostics); PubMed 18183624 (cited by Athena Diagnostics and Ambry Genetics); PubMed 18543312 (cited by Athena Diagnostics).